The following is an entry in ClinVar:

ClinVar aggregate classification (germline): Benign. Review status: criteria provided, multiple submitters, no conflicts (2 of 4 stars). 2 submissions from 2 submitters: Benign (2). Last evaluated 2018-06-14.

Allele frequency attached by ClinVar (database versions not stated): gnomAD exomes 0.51085; 1000 Genomes Project 0.58127; 1000 Genomes Project 30x 0.58838; gnomAD 0.59973 and 0.60988; TOPMed 0.61546.
gnomAD v4.1: 440,881 of 834,660 alleles (53%); highest among the groups gnomAD compares: African/African-American, 85%; 120,970 homozygotes.

Submissions (2):

GeneDx
Classification: Benign. Last evaluated: 2018-06-14. Review status: criteria provided, single submitter. Criteria: GeneDx Variant Classification (06012015). Collection method: clinical testing. Allele origin: germline. Affected: yes.
Comment: This variant is considered likely benign or benign based on one or more of the following criteria: it is a conservative change, it occurs at a poorly conserved position in the protein, it is predicted to be benign by multiple in silico algorithms, and/or has population frequency not consistent with disease.

Breakthrough Genomics
Classification: Benign. Review status: criteria provided, single submitter. Criteria: ACMG Guidelines, 2015. Collection method: not provided. Allele origin: germline. Inheritance: Autosomal recessive inheritance. Affected: yes.

NM_016156.6(MTMR2):c.262+136T>C

Gene: MTMR2 (myotubularin related protein 2; minus strand). Cytogenetic location: 11q21.
Variant type: single nucleotide variant.
Coding change: c.262+136T>C on transcript NM_016156.6 (MANE Select); 136 bases into the intron after coding-DNA position 262, T replaced by C.
Molecular consequence: intron variant.
Genome position (GRCh38, 1-based): chr11:95,865,465, A>G on the plus strand (T>C on the coding strand, the complement: MTMR2 is on the minus strand). VCF-style: chr11-95865465-A-G. GRCh37 (hg19) VCF-style: chr11-95598629-A-G.
Other names: c.46+136T>C (NM_201281.3, NM_201278.3, NM_001243571.2).
Identifiers: ClinVar variation 683213 (VCV000683213.2), dbSNP rs687559, ClinGen allele CA13447332.